The following is an entry in ClinVar:

ClinVar aggregate classification (germline): Conflicting classifications of pathogenicity. Review status: criteria provided, conflicting classifications (1 of 4 stars). 11 submissions from 11 submitters: Uncertain significance (10); Likely benign (1). Last evaluated 2026-05-21.

Conditions:
Hereditary cancer-predisposing syndrome. Also called: Hereditary neoplastic syndrome; Neoplastic Syndromes, Hereditary; Hereditary Cancer Syndrome; Tumor predisposition. Identifiers: Orphanet 140162, MedGen C0027672, MeSH D009386, MONDO:0015356.
Gastrointestinal stromal tumor. Also called: Gastrointestinal stromal tumor, somatic; Gastrointestinal stroma tumor. Identifiers: Orphanet 44890, MedGen C0238198, MeSH D046152, MONDO:0011719, OMIM 606764, HP:0100723.
Hereditary pheochromocytoma and paraganglioma. Also called: Hereditary Paraganglioma-Pheochromocytoma Syndromes; Hereditary paragangliomas and pheochromocytomas; Hereditary pheochromocytoma-paraganglioma. Identifiers: Orphanet 29072, MedGen C4274332, MONDO:0017366.
SDHB-related disorder. Also called: SDHB-related condition; SDHB-related disorders. Identifiers: MedGen CN239418.
Pheochromocytoma/paraganglioma syndrome 4. Also called: PARAGANGLIOMA, FAMILIAL MALIGNANT; PARAGANGLIOMAS, HEREDITARY EXTRAADRENAL; PHEOCHROMOCYTOMA, FAMILIAL EXTRAADRENAL; Paragangliomas 4; SDHB-Related Hereditary Paraganglioma-Pheochromocytoma Syndrome (Paragangliomas 4); CAROTID BODY TUMORS AND MULTIPLE EXTRAADRENAL PHEOCHROMOCYTOMAS. Identifiers: Orphanet 29072, MedGen C1861848, MONDO:0007273, OMIM 115310.
Pheochromocytoma. Also called: MAX-Related Hereditary Paraganglioma-Pheochromocytoma Syndrome. Identifiers: Orphanet 29072, MedGen C0031511, MONDO:0008233, OMIM 171300, HP:0002666.

Allele frequency attached by ClinVar (database versions not stated): gnomAD exomes 0.00001 and 0.00003; TOPMed 0.00001; ExAC 0.00002; gnomAD 0.00002.
gnomAD v4.1: 19 of 1,613,888 alleles (0.0012%); highest among the groups gnomAD compares: Non-Finnish European, 0.0015%; no homozygotes.

Submissions (11):

PreventionGenetics, part of Exact Sciences
Classification: Uncertain significance for SDHB-related condition. Last evaluated: 2026-05-21. Review status: criteria provided, single submitter. Criteria: ACMG Guidelines, 2015. Collection method: clinical testing. Allele origin: germline.
Comment: The SDHB c.739A>G variant is predicted to result in the amino acid substitution p.Met247Val. This variant has been reported in an individual with clinical features associated with Lynch syndrome and vaginal sarcoma (Table S1, de Angelis de Carvalho et al. 2020. PubMed ID: 32659967). This variant is reported in 0.0062% of alleles in individuals of European (Non-Finnish) descent in gnomAD and is interpreted as uncertain significance in ClinVar (Variation ID: 459169). At this time, the clinical significance of this variant is uncertain due to the absence of conclusive functional and genetic evidence.

Ambry Genetics
Classification: Uncertain significance for Hereditary cancer-predisposing syndrome. Last evaluated: 2026-04-17. Review status: criteria provided, single submitter. Criteria: Ambry Variant Classification Scheme 2023. Collection method: clinical testing. Allele origin: germline.
Comment: The p.M247V variant (also known as c.739A>G), located in coding exon 7 of the SDHB gene, results from an A to G substitution at nucleotide position 739. The methionine at codon 247 is replaced by valine, an amino acid with highly similar properties. This amino acid position is highly conserved in available vertebrate species. In addition, this alteration is predicted to be deleterious by in silico analysis. Based on the available evidence, the clinical significance of this variant remains unclear.

Labcorp Genetics (formerly Invitae), Labcorp
Classification: Uncertain significance for Gastrointestinal stromal tumor; Pheochromocytoma/paraganglioma syndrome 4; Pheochromocytoma. Last evaluated: 2025-11-27. Review status: criteria provided, single submitter. Criteria: Invitae Variant Classification Sherloc (09022015). Collection method: clinical testing. Allele origin: germline.
Comment: This sequence change replaces methionine, which is neutral and non-polar, with valine, which is neutral and non-polar, at codon 247 of the SDHB protein (p.Met247Val). This variant is present in population databases (rs200896502, gnomAD 0.006%). This missense change has been observed in individual(s) with clinical features of Lynch syndrome (PMID: 32659967). ClinVar contains an entry for this variant (Variation ID: 459169). Invitae Evidence Modeling of protein sequence and biophysical properties (such as structural, functional, and spatial information, amino acid conservation, physicochemical variation, residue mobility, and thermodynamic stability) indicates that this missense variant is expected to disrupt SDHB protein function with a positive predictive value of 80%. In summary, the available evidence is currently insufficient to determine the role of this variant in disease. Therefore, it has been classified as a Variant of Uncertain Significance.

Dasa
Classification: Uncertain significance. Last evaluated: 2025-07-21. Review status: criteria provided, single submitter. Criteria: DASA Assertion Criteria. Collection method: clinical testing. Allele origin: germline.
Comment: NM_003000.3(SDHB):c.739A>G (p.Met247Val) is a missense variant that results in the substitution of methionine with valine. The affected residue or protein region has prior evidence supporting clinical relevance. This variant is rare in population databases. Computational prediction algorithms are consistent with a deleterious effect. The currently available literature and clinical evidence are not sufficient to establish a definitive association between this variant and the reported condition. Therefore, this variant is classified as a variant of uncertain significance.

Blueprint Genetics
Classification: Likely benign. Last evaluated: 2024-11-04. Review status: criteria provided, single submitter. Criteria: ACMG Guidelines, 2015. Collection method: clinical testing. Allele origin: germline.

CeGaT Center for Human Genetics Tuebingen
Classification: Uncertain significance. Last evaluated: 2024-11-01. Review status: criteria provided, single submitter. Criteria: CeGaT Center For Human Genetics Tuebingen Variant Classification Criteria Version 2. Collection method: clinical testing. Allele origin: germline. Affected: yes. Observed: 2 variant alleles.
Comment: SDHB: PM2

Color Diagnostics, LLC DBA Color Health
Classification: Uncertain significance for Hereditary pheochromocytoma and paraganglioma. Last evaluated: 2024-04-18. Review status: criteria provided, single submitter. Criteria: ACMG Guidelines, 2015. Collection method: clinical testing. Allele origin: germline.
Comment: This missense variant replaces methionine with valine at codon 247 of the SDHB protein. Computational prediction suggests that this variant may have deleterious impact on protein structure and function. To our knowledge, functional studies have not been reported for this variant. This variant has been reported in an individuals affected with vaginal sarcoma and endometrial adenocarcinoma (PMID: 32659967). This variant has been identified in 9/282822 chromosomes in the general population by the Genome Aggregation Database (gnomAD). The available evidence is insufficient to determine the role of this variant in disease conclusively. Therefore, this variant is classified as a Variant of Uncertain Significance.

Baylor Genetics
Classification: Uncertain significance for Gastrointestinal stromal tumor. Last evaluated: 2023-06-26. Review status: criteria provided, single submitter. Criteria: ACMG Guidelines, 2015. Collection method: clinical testing. Allele origin: unknown.

GeneDx
Classification: Uncertain significance. Last evaluated: 2023-03-20. Review status: criteria provided, single submitter. Criteria: GeneDx Variant Classification Process June 2021. Collection method: clinical testing. Allele origin: germline. Affected: yes.
Comment: Not observed at significant frequency in large population cohorts (gnomAD); In silico analysis supports that this missense variant has a deleterious effect on protein structure/function; Observed in an individual with vaginal fusocellular sarcoma and endometrial adenocarcinoma (de Angelis de Carvalho et al., 2020); This variant is associated with the following publications: (PMID: 32659967)

Institute for Clinical Genetics, University Hospital TU Dresden, University Hospital TU Dresden
Classification: Uncertain significance. Last evaluated: 2021-11-03. Review status: criteria provided, single submitter. Criteria: ACMG Guidelines, 2015. Collection method: clinical testing. Allele origin: germline.

Sema4
Classification: Uncertain significance for Hereditary cancer-predisposing syndrome. Last evaluated: 2021-08-10. Review status: criteria provided, single submitter. Criteria: Sema4 Curation Guidelines. Collection method: curation. Allele origin: germline.
Comment: The SDHB c.739A>G (p.M247V) variant has been reported in one individual with Lynch syndrome-related tumors and sarcoma (PMID: 32659967). It was observed in 8/129134 chromosomes of the Non-Finnish European subpopulation in the large and broad cohorts of the Genome Aggregation Database (PMID: 32461654). The variant has been reported in ClinVar (Variation ID: 459169). In silico tools suggest the impact of the variant on protein function is deleterious, though these predictions have not been confirmed by functional studies. The evidence is insufficient to meet ACMG/AMP criteria for classifying the variant as benign or pathogenic. Thus, the clinical significance of this variant is currently uncertain.

Literature cited by the submitters: PubMed 32659967 (cited by 4 submitters).

NM_003000.3(SDHB):c.739A>G (p.Met247Val)

Gene: SDHB (succinate dehydrogenase complex iron sulfur subunit B; minus strand). Cytogenetic location: 1p36.13.
Variant type: single nucleotide variant.
Coding change: c.739A>G on transcript NM_003000.3 (MANE Select); coding-DNA position 739, A replaced by G.
Protein change: p.Met247Val; replaces methionine 247 with valine.
Molecular consequence: missense variant.
Genome position (GRCh38, 1-based): chr1:17,022,634, T>C on the plus strand (A>G on the coding strand, the complement: SDHB is on the minus strand). VCF-style: chr1-17022634-T-C. GRCh37 (hg19) VCF-style: chr1-17349129-T-C.
Other names: short protein forms M247V.
Identifiers: ClinVar variation 459169 (VCV000459169.44), dbSNP rs200896502, ClinGen allele CA089742.